The following is an entry in ClinVar:

NM_018897.3(DNAH7):c.5962-5T>C

Gene: DNAH7 (dynein axonemal heavy chain 7; minus strand). Cytogenetic location: 2q32.3.
Variant type: single nucleotide variant.
Coding change: c.5962-5T>C on transcript NM_018897.3 (MANE Select); 5 bases into the intron before coding-DNA position 5962, T replaced by C.
Molecular consequence: intron variant.
Genome position (GRCh38, 1-based): chr2:195,876,704, A>G on the plus strand (T>C on the coding strand, the complement: DNAH7 is on the minus strand). VCF-style: chr2-195876704-A-G. GRCh37 (hg19) VCF-style: chr2-196741428-A-G.
Identifiers: ClinVar variation 4982043 (VCV004982043.1).

ClinVar aggregate classification (germline): Benign (1 of 4 stars; one submission).

Conditions:
DNAH7-related disorder. Also called: DNAH7-related condition.

gnomAD v4.1: 21,953 of 1,526,926 alleles (1.4%); highest among the groups gnomAD compares: East Asian, 25%; 1,870 homozygotes.

Submission:

PreventionGenetics, part of Exact Sciences
Classification: Benign for DNAH7-related condition. Last evaluated: 2025-02-27. Review status: criteria provided, single submitter. Criteria: ACMG Guidelines, 2015. Collection method: clinical testing. Allele origin: germline.
Comment: This variant is classified as benign based on ACMG/AMP sequence variant interpretation guidelines (Richards et al. 2015 PMID: 25741868, with internal and published modifications).